The following is an entry in ClinVar:

ClinVar aggregate classification (germline): Uncertain significance. Review status: criteria provided, multiple submitters, no conflicts (2 of 4 stars). 10 submissions from 8 submitters: Uncertain significance (9). 1 of the submissions does not count toward it. Last evaluated 2026-08-25.

Conditions:
Joubert syndrome 28 (JBTS28). Identifiers: MedGen C4310705, MONDO:0014928, OMIM 617121.
Meckel syndrome, type 1 (MKS1). Also called: MECKEL-GRUBER SYNDROME, TYPE 1. Identifiers: Orphanet 564, MedGen C3714506, MONDO:0009571, OMIM 249000.
Bardet-Biedl syndrome 13 (BBS13). Identifiers: Orphanet 110, MedGen C2673873, MONDO:0014441, OMIM 615990.
Meckel-Gruber syndrome. Also called: DYSENCEPHALIA SPLANCHNOCYSTICA; GRUBER SYNDROME; Dysencephalia splachnocystica. Identifiers: Orphanet 564, MedGen C0265215, MONDO:0018921.
Joubert syndrome. Also called: Familial aplasia of the vermis; JOUBERT-BOLTSHAUSER SYNDROME. Identifiers: Orphanet 475, MedGen C5979921, MONDO:0018772.
MKS1-related disorder. Also called: MKS1-related condition; MKS1-related disorders. Identifiers: MedGen CN239382.

Allele frequency attached by ClinVar (database versions not stated): TOPMed 0.00005; ESP Exome Variant Server 0.00008.
gnomAD v4.1: 76 of 1,614,066 alleles (0.0047%); highest among the groups gnomAD compares: South Asian, 0.06%; 2 homozygotes.

Submissions (10):

PreventionGenetics, part of Exact Sciences
Classification: Uncertain significance for MKS1-related condition. Last evaluated: 2026-08-25. Review status: criteria provided, single submitter. Criteria: ACMG Guidelines, 2015. Collection method: clinical testing. Allele origin: germline.
Comment: The MKS1 c.763G>C variant is predicted to result in the amino acid substitution p.Gly255Arg. To our knowledge, this variant has not been reported in the literature. This variant is reported in 0.069% of alleles in individuals of South Asian descent in gnomAD, including one homozygote. Although we suspect this variant may be benign, at this time, the clinical significance of this variant is uncertain due to the absence of conclusive functional and genetic evidence.

Fulgent Genetics
Classification: Uncertain significance for Meckel syndrome, type 1; Bardet-Biedl syndrome 13; Joubert syndrome 28. Last evaluated: 2024-05-09. Review status: criteria provided, single submitter. Criteria: ACMG Guidelines, 2015. Collection method: clinical testing. Allele origin: germline.

Labcorp Genetics (formerly Invitae), Labcorp
Classification: Uncertain significance for Joubert syndrome; Meckel-Gruber syndrome. Last evaluated: 2023-12-11. Review status: criteria provided, single submitter. Criteria: Invitae Variant Classification Sherloc (09022015). Collection method: clinical testing. Allele origin: germline.
Comment: This sequence change replaces glycine, which is neutral and non-polar, with arginine, which is basic and polar, at codon 255 of the MKS1 protein (p.Gly255Arg). This variant is present in population databases (rs201237547, gnomAD 0.07%), including at least one homozygous and/or hemizygous individual. This variant has not been reported in the literature in individuals affected with MKS1-related conditions. ClinVar contains an entry for this variant (Variation ID: 546082). Advanced modeling of protein sequence and biophysical properties (such as structural, functional, and spatial information, amino acid conservation, physicochemical variation, residue mobility, and thermodynamic stability) has been performed at Invitae for this missense variant, however the output from this modeling did not meet the statistical confidence thresholds required to predict the impact of this variant on MKS1 protein function. In summary, the available evidence is currently insufficient to determine the role of this variant in disease. Therefore, it has been classified as a Variant of Uncertain Significance.

Blueprint Genetics
Classification: Uncertain significance. Last evaluated: 2023-08-29. Review status: criteria provided, single submitter. Criteria: ACMG Guidelines, 2015. Collection method: clinical testing. Allele origin: germline.

Genome-Nilou Lab
Classification: Uncertain significance for Bardet-Biedl syndrome 13. Last evaluated: 2021-07-14. Review status: criteria provided, single submitter. Criteria: ACMG Guidelines, 2015. Collection method: clinical testing. Allele origin: germline. Affected: no.

Genome-Nilou Lab
Classification: Uncertain significance for Joubert syndrome 28. Last evaluated: 2021-07-14. Review status: criteria provided, single submitter. Criteria: ACMG Guidelines, 2015. Collection method: clinical testing. Allele origin: germline. Affected: no.

Genome-Nilou Lab
Classification: Uncertain significance for Meckel syndrome, type 1. Last evaluated: 2021-07-14. Review status: criteria provided, single submitter. Criteria: ACMG Guidelines, 2015. Collection method: clinical testing. Allele origin: germline. Affected: no.

Pars Genome Lab
Classification: Uncertain significance for Bardet-Biedl syndrome 13. Last evaluated: 2021-05-18. Review status: criteria provided, single submitter. Criteria: ACMG Guidelines, 2015. Collection method: clinical testing. Allele origin: germline. Affected: no.

GeneDx
Classification: Uncertain significance. Last evaluated: 2018-05-16. Review status: criteria provided, single submitter. Criteria: GeneDx Variant Classification (06012015). Collection method: clinical testing. Allele origin: germline. Affected: yes.
Comment: The G255R variant in the MKS1 gene has not been reported previously as a pathogenic variant, nor as a benign variant, to our knowledge. The G255R variant is observed in 21/30,782 (0.0682%) alleles from individuals of South Asian background in large population cohorts (Lek et al., 2016). The G255R variant is a non-conservative amino acid substitution, which is likely to impact secondary protein structure as these residues differ in polarity, charge, size and/or other properties. In-silico analyses, including protein predictors and evolutionary conservation, support a deleterious effect. We interpret G255R as a variant of uncertain significance.

Natera, Inc.
Classification: Uncertain significance for Meckel syndrome type 1. Last evaluated: 2020-09-16. Review status: no assertion criteria provided. Collection method: clinical testing. Allele origin: germline. Not counted in ClinVar's aggregate classification.

NM_017777.4(MKS1):c.763G>C (p.Gly255Arg)

Gene: MKS1 (MKS transition zone complex subunit 1; minus strand). Cytogenetic location: 17q22.
Variant type: single nucleotide variant.
Coding change: c.763G>C on transcript NM_017777.4 (MANE Select); coding-DNA position 763, G replaced by C.
Protein change: p.Gly255Arg; replaces glycine 255 with arginine.
Molecular consequence: missense variant.
Genome position (GRCh38, 1-based): chr17:58,213,077, C>G on the plus strand (G>C on the coding strand, the complement: MKS1 is on the minus strand). VCF-style: chr17-58213077-C-G. GRCh37 (hg19) VCF-style: chr17-56290438-C-G.
Other names: c.154G>C, p.Gly52Arg (NM_001321268.2); c.763G>C, p.Gly255Arg (NM_001321269.2, NM_001330397.2); short protein forms G255R, G52R.
Identifiers: ClinVar variation 546082 (VCV000546082.14), dbSNP rs201237547, ClinGen allele CA8669413.